The following is an entry in ClinVar:

ClinVar aggregate classification (germline): Benign/Likely benign. Review status: criteria provided, multiple submitters, no conflicts (2 of 4 stars). 3 submissions from 3 submitters: Benign (1); Likely benign (2). Last evaluated 2024-06-07.

Allele frequency attached by ClinVar (database versions not stated): 1000 Genomes Project 30x 0.00640; ESP Exome Variant Server 0.01000; gnomAD 0.01069 and 0.01059; 1000 Genomes Project 0.00679; TOPMed 0.00927.
gnomAD v4.1: 21,787 of 1,613,122 alleles (1.4%); highest among the groups gnomAD compares: Non-Finnish European, 1.6%; 180 homozygotes.

Submissions (3):

Mayo Clinic Laboratories, Mayo Clinic
Classification: Benign. Last evaluated: 2024-06-07. Review status: criteria provided, single submitter. Criteria: ACMG Guidelines, 2015. Collection method: clinical testing. Allele origin: germline. Observed: 4 variant alleles.
Comment: BA1, BP4, BP7

GeneDx
Classification: Likely benign. Last evaluated: 2020-01-06. Review status: criteria provided, single submitter. Criteria: GeneDx Variant Classification Process June 2021. Collection method: clinical testing. Allele origin: germline. Affected: yes.

Breakthrough Genomics
Classification: Likely benign. Review status: criteria provided, single submitter. Criteria: ACMG Guidelines, 2015. Collection method: not provided. Allele origin: germline. Inheritance: Unknown mechanism. Affected: yes.

NM_001243279.3(ACSF3):c.1240-22C>T

Gene: ACSF3 (acyl-CoA synthetase family member 3; plus strand). Cytogenetic location: 16q24.3.
Variant type: single nucleotide variant.
Coding change: c.1240-22C>T on transcript NM_001243279.3 (MANE Select); 22 bases into the intron before coding-DNA position 1240, C replaced by T.
Molecular consequence: intron variant.
Genome position (GRCh38, 1-based): chr16:89,133,114, C>T. VCF-style: chr16-89133114-C-T. GRCh37 (hg19) VCF-style: chr16-89199522-C-T.
Other names: p.?; c.1240-22C>T (NM_001127214.4, NM_174917.5); c.445-22C>T (NM_001284316.2).
Identifiers: ClinVar variation 1204956 (VCV001204956.5), dbSNP rs118065221, ClinGen allele CA8238074.
Genomic context (GRCh38, chr16:89,133,114, plus strand): 5'-GGGAGCAGCCCACAGTTTCAGAAAGCACCAATCCCAAGAGGGTGTGCCCAGCTCTGACCT[C>T]CATGTTCTTCATCCTCCACAGGTGACCCCAGGGTTTGAAGAAAAGGAGGGGGAGCTGCTG-3'